The following is an entry in ClinVar:

ClinVar aggregate classification (germline): Uncertain significance. Review status: criteria provided, multiple submitters, no conflicts (2 of 4 stars). 4 submissions from 4 submitters: Uncertain significance (3). 1 of the submissions does not count toward it. Last evaluated 2025-12-26.

Conditions:
VPS13B-related disorder. Also called: VPS13B-related condition.
Cohen syndrome (COH1). Also called: Cutis verticis gyrata, retinitis pigmentosa, and sensorineural deafness; PEPPER SYNDROME. Identifiers: Orphanet 193, MedGen C0265223, MONDO:0008999, OMIM 216550.

Allele frequency attached by ClinVar (database versions not stated): gnomAD exomes 0.00001 and 0.00002; TOPMed 0.00002; ExAC 0.00003.

Submissions (4):

Clinical Genomics Laboratory, Washington University in St. Louis
Classification: Uncertain significance for Cohen syndrome. Last evaluated: 2025-12-26. Review status: criteria provided, single submitter. Criteria: ACMG Guidelines, 2015. Collection method: clinical testing. Allele origin: germline.
Comment: The VPS13B c.7243C>A (p.Gln2415Lys) variant, to our knowledge, has not been reported in the medical literature. This variant has been reported in the ClinVar database as a germline variant of uncertain significance by one submitter. This variant is only observed in 5/250,818 alleles in the general population (gnomAD v.2.1.1), indicating it is not a common variant. Computational predictors suggest that the variant does not impact VPS13B function. Due to limited information, and based on ACMG/AMP guidelines for variant interpretation (Richards S et al., PMID: 25741868), the clinical significance of this variant is uncertain at this time.

PreventionGenetics, part of Exact Sciences
Classification: Uncertain significance for VPS13B-related condition. Last evaluated: 2025-05-21. Review status: criteria provided, single submitter. Criteria: ACMG Guidelines, 2015. Collection method: clinical testing. Allele origin: germline.
Comment: The VPS13B c.7243C>A variant is predicted to result in the amino acid substitution p.Gln2415Lys. To our knowledge, this variant has not been reported in the literature. This variant is reported in 0.0033% of alleles in individuals of South Asian descent in gnomAD. At this time, the clinical significance of this variant is uncertain due to the absence of conclusive functional and genetic evidence.

Labcorp Genetics (formerly Invitae), Labcorp
Classification: Uncertain significance for Cohen syndrome. Last evaluated: 2019-10-04. Review status: criteria provided, single submitter. Criteria: Invitae Variant Classification Sherloc (09022015). Collection method: clinical testing. Allele origin: germline.
Comment: This sequence change replaces glutamine with lysine at codon 2440 of the VPS13B protein (p.Gln2440Lys). The glutamine residue is moderately conserved and there is a small physicochemical difference between glutamine and lysine. This variant is present in population databases (rs755052081, ExAC 0.006%). This variant has not been reported in the literature in individuals with VPS13B-related conditions. Algorithms developed to predict the effect of missense changes on protein structure and function (SIFT, PolyPhen-2, Align-GVGD) all suggest that this variant is likely to be tolerated, but these predictions have not been confirmed by published functional studies and their clinical significance is uncertain. In summary, the available evidence is currently insufficient to determine the role of this variant in disease. Therefore, it has been classified as a Variant of Uncertain Significance.

Natera, Inc.
Classification: Uncertain significance for Cohen syndrome. Last evaluated: 2020-02-13. Review status: no assertion criteria provided. Collection method: clinical testing. Allele origin: germline. Not counted in ClinVar's aggregate classification.

NM_152564.5(VPS13B):c.7243C>A (p.Gln2415Lys)

Gene: VPS13B (vacuolar protein sorting 13 homolog B; plus strand). Cytogenetic location: 8q22.2.
Variant type: single nucleotide variant.
Coding change: c.7243C>A on transcript NM_152564.5 (MANE Select); coding-DNA position 7243, C replaced by A.
Protein change: p.Gln2415Lys; replaces glutamine 2415 with lysine.
Molecular consequence: missense variant.
Genome position (GRCh38, 1-based): chr8:99,766,966, C>A. VCF-style: chr8-99766966-C-A. GRCh37 (hg19) VCF-style: chr8-100779194-C-A.
Other names: c.7243C>A (NM_152564.4); c.7318C>A, p.Gln2440Lys (NM_017890.5); short protein forms Q2440K, Q2415K.
Identifiers: ClinVar variation 947023 (VCV000947023.6), dbSNP rs755052081, ClinGen allele CA4824171.